The following is an entry in ClinVar:

ClinVar aggregate classification (germline): Uncertain significance. Review status: criteria provided, multiple submitters, no conflicts (2 of 4 stars). 2 submissions from 2 submitters: Uncertain significance (2). Last evaluated 2025-11-17.

Conditions:
Familial melanoma. Also called: Hereditary melanoma; Hereditary cutaneous melanoma. Identifiers: Orphanet 618, MedGen C1512419, MONDO:0018961.
Hereditary cancer-predisposing syndrome. Also called: Neoplastic Syndromes, Hereditary; Tumor predisposition; Hereditary Cancer Syndrome; Hereditary neoplastic syndrome. Identifiers: Orphanet 140162, MedGen C0027672, MeSH D009386, MONDO:0015356.

Allele frequency attached by ClinVar (database versions not stated): gnomAD exomes below 0.00001.
gnomAD v4.1: 1 of 1,613,982 alleles (0.000062%); highest among the groups gnomAD compares: Non-Finnish European, 0.000085%; no homozygotes.

Submissions (2):

Ambry Genetics
Classification: Uncertain significance for Hereditary cancer-predisposing syndrome. Last evaluated: 2025-11-17. Review status: criteria provided, single submitter. Criteria: Ambry Variant Classification Scheme 2023. Collection method: clinical testing. Allele origin: germline.
Comment: The p.L273V variant (also known as c.817C>G), located in coding exon 6 of the CDK4 gene, results from a C to G substitution at nucleotide position 817. The leucine at codon 273 is replaced by valine, an amino acid with highly similar properties. This amino acid position is highly conserved in available vertebrate species. In addition, this alteration is predicted to be tolerated by in silico analysis. Since supporting evidence is limited at this time, the clinical significance of this alteration remains unclear.

Labcorp Genetics (formerly Invitae), Labcorp
Classification: Uncertain significance for Familial melanoma. Last evaluated: 2025-05-07. Review status: criteria provided, single submitter. Criteria: Invitae Variant Classification Sherloc (09022015). Collection method: clinical testing. Allele origin: germline.
Comment: This sequence change replaces leucine, which is neutral and non-polar, with valine, which is neutral and non-polar, at codon 273 of the CDK4 protein (p.Leu273Val). This variant is not present in population databases (gnomAD no frequency). This variant has not been reported in the literature in individuals affected with CDK4-related conditions. ClinVar contains an entry for this variant (Variation ID: 1762308). An algorithm developed to predict the effect of missense changes on protein structure and function (PolyPhen-2) suggests that this variant is likely to be tolerated. Algorithms developed to predict the effect of sequence changes on RNA splicing suggest that this variant may disrupt the consensus splice site. In summary, the available evidence is currently insufficient to determine the role of this variant in disease. Therefore, it has been classified as a Variant of Uncertain Significance.

NM_000075.4(CDK4):c.817C>G (p.Leu273Val)

Genes: CDK4 (cyclin dependent kinase 4; minus strand), TSPAN31 (tetraspanin 31; plus strand). Cytogenetic location: 12q14.1.
Variant type: single nucleotide variant.
Coding change: c.817C>G on transcript NM_000075.4 (MANE Select); coding-DNA position 817, C replaced by G.
Protein change: p.Leu273Val; replaces leucine 273 with valine.
Molecular consequence: missense variant. On other transcripts: 3 prime UTR variant (3).
Genome position (GRCh38, 1-based): chr12:57,749,184, G>C on the plus strand (C>G on the coding strand, the complement: CDK4 is on the minus strand). VCF-style: chr12-57749184-G-C. GRCh37 (hg19) VCF-style: chr12-58142967-G-C.
Other names: c.*1894G>C (NM_001330168.2, NM_001330169.2, NM_005981.5); short protein forms L273V.
Identifiers: ClinVar variation 1762308 (VCV001762308.5), dbSNP rs2140382614, ClinGen allele CA385542894.